The following is an entry in ClinVar:

NM_198253.3(TERT):c.282G>C (p.Lys94Asn)

Gene: TERT (telomerase reverse transcriptase; minus strand). Cytogenetic location: 5p15.33.
Variant type: single nucleotide variant.
Coding change: c.282G>C on transcript NM_198253.3 (MANE Select); coding-DNA position 282, G replaced by C.
Protein change: p.Lys94Asn; replaces lysine 94 with asparagine.
Molecular consequence: missense variant. On other transcripts: non-coding transcript variant (2).
Genome position (GRCh38, 1-based): chr5:1,294,604, C>G on the plus strand (G>C on the coding strand, the complement: TERT is on the minus strand). VCF-style: chr5-1294604-C-G. GRCh37 (hg19) VCF-style: chr5-1294719-C-G.
Other names: c.282G>C, p.Lys94Asn (NM_001193376.3); short protein forms K94N.
Identifiers: ClinVar variation 1402964 (VCV001402964.8), dbSNP rs1751268163, ClinGen allele CA359058515.

ClinVar aggregate classification (germline): Uncertain significance (1 of 4 stars; one submission).

Conditions:
Idiopathic Pulmonary Fibrosis. Also called: Idiopathic fibrosing alveolitis, chronic form; idiopathic fibrosing alveolitis. Identifiers: Orphanet 2032, MedGen C1800706, MeSH D054990, MONDO:0800504.
Dyskeratosis congenita, autosomal dominant 2. Identifiers: MedGen C3151443, MONDO:0013521, OMIM 613989.

Submission:

Labcorp Genetics (formerly Invitae), Labcorp
Classification: Uncertain significance for Dyskeratosis congenita, autosomal dominant 2; Idiopathic Pulmonary Fibrosis. Last evaluated: 2021-01-10. Review status: criteria provided, single submitter. Criteria: Invitae Variant Classification Sherloc (09022015). Collection method: clinical testing. Allele origin: germline.
Comment: In summary, the available evidence is currently insufficient to determine the role of this variant in disease. Therefore, it has been classified as a Variant of Uncertain Significance. Algorithms developed to predict the effect of missense changes on protein structure and function (SIFT, PolyPhen-2, Align-GVGD) all suggest that this variant is likely to be tolerated, but these predictions have not been confirmed by published functional studies and their clinical significance is uncertain. This variant has not been reported in the literature in individuals with TERT-related conditions. This variant is not present in population databases (ExAC no frequency). This sequence change replaces lysine with asparagine at codon 94 of the TERT protein (p.Lys94Asn). The lysine residue is weakly conserved and there is a moderate physicochemical difference between lysine and asparagine.